The following is an entry in ClinVar:

ClinVar aggregate classification (germline): Benign/Likely benign. Review status: criteria provided, multiple submitters, no conflicts (2 of 4 stars). 4 submissions from 4 submitters: Benign (2); Likely benign (2). Last evaluated 2025-11-01.

Allele frequency attached by ClinVar (database versions not stated): gnomAD exomes 0.00020 and 0.00051; ExAC 0.00057; 1000 Genomes Project 30x 0.00141; 1000 Genomes Project 0.00160; gnomAD 0.00187 and 0.00207; ESP Exome Variant Server 0.00200; TOPMed 0.00225.
gnomAD v4.1: 599 of 1,614,112 alleles (0.037%); highest among the groups gnomAD compares: African/African-American, 0.69%; 4 homozygotes.

Submissions (4):

CeGaT Center for Human Genetics Tuebingen
Classification: Likely benign. Last evaluated: 2025-11-01. Review status: criteria provided, single submitter. Criteria: CeGaT Center For Human Genetics Tuebingen Variant Classification Criteria Version 2. Collection method: clinical testing. Allele origin: germline. Affected: yes. Observed: 2 variant alleles.
Comment: KMT2A: BP4, BP7

Blueprint Genetics
Classification: Likely benign. Last evaluated: 2024-11-15. Review status: criteria provided, single submitter. Criteria: ACMG Guidelines, 2015. Collection method: clinical testing. Allele origin: germline.

Labcorp Genetics (formerly Invitae), Labcorp
Classification: Benign. Last evaluated: 2023-05-05. Review status: criteria provided, single submitter. Criteria: Invitae Variant Classification Sherloc (09022015). Collection method: clinical testing. Allele origin: germline.

GeneDx
Classification: Benign. Last evaluated: 2020-02-23. Review status: criteria provided, single submitter. Criteria: GeneDx Variant Classification Process June 2021. Collection method: clinical testing. Allele origin: germline. Affected: yes.

NM_001197104.2(KMT2A):c.6699C>T (p.Thr2233=)

Gene: KMT2A (lysine methyltransferase 2A; plus strand). Cytogenetic location: 11q23.3.
Variant type: single nucleotide variant.
Coding change: c.6699C>T on transcript NM_001197104.2 (MANE Select); coding-DNA position 6699, C replaced by T.
Protein change: p.Thr2233=; no amino-acid change (threonine 2233 retained).
Molecular consequence: synonymous variant.
Genome position (GRCh38, 1-based): chr11:118,502,591, C>T. VCF-style: chr11-118502591-C-T. GRCh37 (hg19) VCF-style: chr11-118373306-C-T.
Other names: c.6690C>T, p.Thr2230= (NM_005933.4).
Identifiers: ClinVar variation 736075 (VCV000736075.35), dbSNP rs36026884, ClinGen allele CA6304300.